The following is an entry in ClinVar:

ClinVar aggregate classification (germline): Benign/Likely benign. Review status: criteria provided, multiple submitters, no conflicts (2 of 4 stars). 2 submissions from 2 submitters: Benign (1); Likely benign (1). Last evaluated 2018-01-12.

Conditions:
Retinitis pigmentosa (RP). Identifiers: Orphanet 791, MedGen C0035334, MeSH D012174, MONDO:0019200, OMIM 268000. Inheritance: Autosomal dominant, autosomal recessive and X linked inheritance.

Allele frequency attached by ClinVar (database versions not stated): 1000 Genomes Project 30x 0.05184; 1000 Genomes Project 0.05272; gnomAD 0.05681 and 0.05737; TOPMed 0.06017; gnomAD exomes 0.06347.

Submissions (2):

Illumina Laboratory Services, Illumina
Classification: Benign for Retinitis pigmentosa. Last evaluated: 2018-01-12. Review status: criteria provided, single submitter. Criteria: ICSL Variant Classification Criteria 13 December 2019. Collection method: clinical testing. Allele origin: germline.
Comment: This variant was observed in the ICSL laboratory as part of a predisposition screen in an ostensibly healthy population. It had not been previously curated by ICSL or reported in the Human Gene Mutation Database (HGMD: prior to June 1st, 2018), and was therefore a candidate for classification through an automated scoring system. Utilizing variant allele frequency, disease prevalence and penetrance estimates, and inheritance mode, an automated score was calculated to assess if this variant is too frequent to cause the disease. Based on the score and internal cut-off values, a variant classified as benign is not then subjected to further curation. The score for this variant resulted in a classification of benign for this disease.

Breakthrough Genomics
Classification: Likely benign. Review status: criteria provided, single submitter. Criteria: ACMG Guidelines, 2015. Collection method: not provided. Allele origin: germline. Inheritance: Unknown mechanism. Affected: yes.

NM_002098.6(GUCA1B):c.*503G>A

Gene: GUCA1B (guanylate cyclase activator 1B; minus strand). Cytogenetic location: 6p21.1.
Variant type: single nucleotide variant.
Coding change: c.*503G>A on transcript NM_002098.6 (MANE Select); 503 bases downstream of the stop codon, G replaced by A.
Molecular consequence: 3 prime UTR variant.
Genome position (GRCh38, 1-based): chr6:42,184,312, C>T on the plus strand (G>A on the coding strand, the complement: GUCA1B is on the minus strand). VCF-style: chr6-42184312-C-T. GRCh37 (hg19) VCF-style: chr6-42152050-C-T.
Identifiers: ClinVar variation 356717 (VCV000356717.7), dbSNP rs13211352, ClinGen allele CA10626709.